The following is an entry in ClinVar:

NM_025074.7(FRAS1):c.3152-3T>C

Gene: FRAS1 (Fraser extracellular matrix complex subunit 1; plus strand). Cytogenetic location: 4q21.21.
Variant type: single nucleotide variant.
Coding change: c.3152-3T>C on transcript NM_025074.7 (MANE Select); 3 bases into the intron before coding-DNA position 3152, T replaced by C.
Molecular consequence: intron variant.
Genome position (GRCh38, 1-based): chr4:78,375,736, T>C. VCF-style: chr4-78375736-T-C. GRCh37 (hg19) VCF-style: chr4-79296890-T-C.
Other names: c.3152-3T>C (NM_001166133.2).
Identifiers: ClinVar variation 3051256 (VCV003051256.2), dbSNP rs2476911976, ClinGen allele CA2740091295.
Genomic context (GRCh38, chr4:78,375,736, plus strand): 5'-TTTATTTCTTTGTCGCTGGTGTTGCCTTGATTGAGCCTCATTTAGTGTTTCCTTTTTTAA[T>C]AGCCTGCCCTCAGGGGTGCTTGCAGTGCAGCCACAGGGACCGTTGTCACCTCTGTGACCA-3'

ClinVar aggregate classification (germline): Likely benign (0 of 4 stars; one submission).

Conditions:
FRAS1-related disorder. Also called: FRAS1-related condition.

Submission:

PreventionGenetics, part of Exact Sciences
Classification: Likely benign for FRAS1-related condition. Last evaluated: 2022-10-10. Review status: no assertion criteria provided. Collection method: clinical testing. Allele origin: germline.
Comment: This variant is classified as likely benign based on ACMG/AMP sequence variant interpretation guidelines (Richards et al. 2015 PMID: 25741868, with internal and published modifications).